The following is an entry in ClinVar:

NM_000211.5(ITGB2):c.2198G>A (p.Arg733Gln)

Gene: ITGB2 (integrin subunit beta 2; minus strand). Cytogenetic location: 21q22.3.
Variant type: single nucleotide variant.
Coding change: c.2198G>A on transcript NM_000211.5 (MANE Select); coding-DNA position 2198, G replaced by A.
Protein change: p.Arg733Gln; replaces arginine 733 with glutamine.
Molecular consequence: missense variant.
Genome position (GRCh38, 1-based): chr21:44,886,785, C>T on the plus strand (G>A on the coding strand, the complement: ITGB2 is on the minus strand). VCF-style: chr21-44886785-C-T. GRCh37 (hg19) VCF-style: chr21-46306700-C-T.
Other names: c.2198G>A, p.Arg733Gln (NM_001127491.3); c.1991G>A, p.Arg664Gln (NM_001303238.2); short protein forms R733Q, R664Q.
Identifiers: ClinVar variation 2187448 (VCV002187448.1), dbSNP rs765800565, ClinGen allele CA10062530.

ClinVar aggregate classification (germline): Uncertain significance (1 of 4 stars; one submission).

Conditions:
Leukocyte adhesion deficiency 1 (LAD1). Also called: LAD 1; Lymphocyte function-associated antigen 1 immunodeficiency; LFA 1 immunodeficiency; LEUKOCYTE ADHESION DEFICIENCY, TYPE I. Identifiers: Orphanet 2968, Orphanet 99842, MedGen C0398738, MONDO:0007293, OMIM 116920.

Allele frequency attached by ClinVar (database versions not stated): TOPMed 0.00001; gnomAD exomes 0.00002; ExAC 0.00003; gnomAD 0.00003.
gnomAD v4.1: 36 of 1,613,928 alleles (0.0022%); highest among the groups gnomAD compares: South Asian, 0.0055%; no homozygotes.

Submission:

Labcorp Genetics (formerly Invitae), Labcorp
Classification: Uncertain significance for Leukocyte adhesion deficiency 1. Last evaluated: 2022-06-22. Review status: criteria provided, single submitter. Criteria: Invitae Variant Classification Sherloc (09022015). Collection method: clinical testing. Allele origin: germline.
Comment: This sequence change replaces arginine, which is basic and polar, with glutamine, which is neutral and polar, at codon 733 of the ITGB2 protein (p.Arg733Gln). This variant is present in population databases (rs765800565, gnomAD 0.01%). This variant has not been reported in the literature in individuals affected with ITGB2-related conditions. Algorithms developed to predict the effect of missense changes on protein structure and function are either unavailable or do not agree on the potential impact of this missense change (SIFT: "Tolerated"; PolyPhen-2: "Probably Damaging"; Align-GVGD: "Class C0"). In summary, the available evidence is currently insufficient to determine the role of this variant in disease. Therefore, it has been classified as a Variant of Uncertain Significance.